The following is an entry in ClinVar:

ClinVar aggregate classification (germline): Uncertain significance. Review status: criteria provided, multiple submitters, no conflicts (2 of 4 stars). 2 submissions from 2 submitters: Uncertain significance (2). Last evaluated 2025-05-19.

Conditions:
Inborn genetic diseases. Identifiers: MedGen C0950123, MeSH D030342.
Multiple gastrointestinal atresias. Also called: FAMILIAL INTESTINAL POLYATRESIA SYNDROME; Multiple intestinal atresia. Identifiers: Orphanet 2300, MedGen C0220744, MONDO:0009465.

Allele frequency attached by ClinVar (database versions not stated): gnomAD exomes below 0.00001; TOPMed below 0.00001; gnomAD 0.00001.
gnomAD v4.1: 6 of 1,614,088 alleles (0.00037%); highest among the groups gnomAD compares: Non-Finnish European, 0.00051%; no homozygotes.

Submissions (2):

Ambry Genetics
Classification: Uncertain significance for Inborn genetic diseases. Last evaluated: 2025-05-19. Review status: criteria provided, single submitter. Criteria: Ambry Variant Classification Scheme 2023. Collection method: clinical testing. Allele origin: germline.

Labcorp Genetics (formerly Invitae), Labcorp
Classification: Uncertain significance for Multiple gastrointestinal atresias. Last evaluated: 2022-07-25. Review status: criteria provided, single submitter. Criteria: Invitae Variant Classification Sherloc (09022015). Collection method: clinical testing. Allele origin: germline.
Comment: In summary, the available evidence is currently insufficient to determine the role of this variant in disease. Therefore, it has been classified as a Variant of Uncertain Significance. Algorithms developed to predict the effect of missense changes on protein structure and function are either unavailable or do not agree on the potential impact of this missense change (SIFT: "Tolerated"; PolyPhen-2: "Possibly Damaging"; Align-GVGD: "Class C0"). ClinVar contains an entry for this variant (Variation ID: 1405962). This variant has not been reported in the literature in individuals affected with TTC7A-related conditions. This variant is present in population databases (no rsID available, gnomAD 0.004%). This sequence change replaces proline, which is neutral and non-polar, with alanine, which is neutral and non-polar, at codon 338 of the TTC7A protein (p.Pro338Ala).

NM_020458.4(TTC7A):c.1012C>G (p.Pro338Ala)

Gene: TTC7A (tetratricopeptide repeat domain 7A; plus strand). Cytogenetic location: 2p21.
Variant type: single nucleotide variant.
Coding change: c.1012C>G on transcript NM_020458.4 (MANE Select); coding-DNA position 1012, C replaced by G.
Protein change: p.Pro338Ala; replaces proline 338 with alanine.
Molecular consequence: missense variant. On other transcripts: 5 prime UTR variant (1).
Genome position (GRCh38, 1-based): chr2:46,995,146, C>G. VCF-style: chr2-46995146-C-G. GRCh37 (hg19) VCF-style: chr2-47222285-C-G.
Other names: c.1012C>G, p.Pro338Ala (NM_001288951.2); c.910C>G, p.Pro304Ala (NM_001288953.2); c.-51C>G (NM_001288955.2); c.1012C>G (NM_020458.2); short protein forms P304A, P338A.
Identifiers: ClinVar variation 1405962 (VCV001405962.7), dbSNP rs542818351, ClinGen allele CA346713929.